The following is an entry in ClinVar:

NM_001276270.2(MBD4):c.247C>T (p.Arg83Cys)

Gene: MBD4 (methyl-CpG binding domain 4, DNA glycosylase; minus strand). Cytogenetic location: 3q21.3.
Variant type: single nucleotide variant.
Coding change: c.247C>T on transcript NM_001276270.2 (MANE Select); coding-DNA position 247, C replaced by T.
Protein change: p.Arg83Cys; replaces arginine 83 with cysteine.
Molecular consequence: missense variant. On other transcripts: nonsense (1).
Genome position (GRCh38, 1-based): chr3:129,437,808, G>A on the plus strand (C>T on the coding strand, the complement: MBD4 is on the minus strand). VCF-style: chr3-129437808-G-A. GRCh37 (hg19) VCF-style: chr3-129156651-G-A.
Other names: c.247C>T, p.Gln83Ter (NM_001276273.2); c.247C>T, p.Arg83Cys (NM_003925.3, NM_001276271.2, NM_001276272.2); c.247C>T (NM_003925.2); short protein forms R83C, Q83*.
Identifiers: ClinVar variation 2084599 (VCV002084599.6), dbSNP rs370682739, ClinGen allele CA2605576.

ClinVar aggregate classification (germline): Uncertain significance. Review status: criteria provided, multiple submitters, no conflicts (2 of 4 stars). 3 submissions from 3 submitters: Uncertain significance (3). Last evaluated 2026-05-03.

Conditions:
MBD4-related disorder. Also called: MBD4-related condition.
Inborn genetic diseases. Identifiers: MedGen C0950123, MeSH D030342.

Allele frequency attached by ClinVar (database versions not stated): gnomAD 0.00001; gnomAD exomes 0.00001; ExAC 0.00002; TOPMed 0.00003; ESP Exome Variant Server 0.00008.

Submissions (3):

PreventionGenetics, part of Exact Sciences
Classification: Uncertain significance for MBD4-related condition. Last evaluated: 2026-05-03. Review status: criteria provided, single submitter. Criteria: ACMG Guidelines, 2015. Collection method: clinical testing. Allele origin: germline.
Comment: The MBD4 c.247C>T variant is predicted to result in the amino acid substitution p.Arg83Cys. To our knowledge, this variant has not been reported in the literature. This variant is reported in 0.00088% of alleles in individuals of European (Non-Finnish) descent in gnomAD. This variant is classified as uncertain in ClinVar (Variation ID: 2084599). At this time, the clinical significance of this variant is uncertain due to the absence of conclusive functional and genetic evidence.

Labcorp Genetics (formerly Invitae), Labcorp
Classification: Uncertain significance. Last evaluated: 2025-12-19. Review status: criteria provided, single submitter. Criteria: Invitae Variant Classification Sherloc (09022015). Collection method: clinical testing. Allele origin: germline.
Comment: This sequence change replaces arginine, which is basic and polar, with cysteine, which is neutral and slightly polar, at codon 83 of the MBD4 protein (p.Arg83Cys). This variant is present in population databases (rs370682739, gnomAD 0.0009%). This variant has not been reported in the literature in individuals affected with MBD4-related conditions. ClinVar contains an entry for this variant (Variation ID: 2084599). An algorithm developed to predict the effect of missense changes on protein structure and function (PolyPhen-2) suggests that this variant is likely to be disruptive. In summary, the available evidence is currently insufficient to determine the role of this variant in disease. Therefore, it has been classified as a Variant of Uncertain Significance.

Ambry Genetics
Classification: Uncertain significance for Inborn genetic diseases. Last evaluated: 2024-12-06. Review status: criteria provided, single submitter. Criteria: Ambry Variant Classification Scheme 2023. Collection method: clinical testing. Allele origin: germline.
Comment: The p.R83C variant (also known as c.247C>T), located in coding exon 2 of the MBD4 gene, results from a C to T substitution at nucleotide position 247. The arginine at codon 83 is replaced by cysteine, an amino acid with highly dissimilar properties. This amino acid position is poorly conserved in available vertebrate species. In addition, the in silico prediction for this alteration is inconclusive. Based on the available evidence, the clinical significance of this variant remains unclear.